The following is an entry in ClinVar:

NM_005422.4(TECTA):c.2825G>A (p.Arg942His)

Genes: TBCEL-TECTA (TBCEL-TECTA readthrough; plus strand), TECTA (tectorin alpha; plus strand), LOC126861365 (P300/CBP strongly-dependent group 1 enhancer GRCh37_chr11:121000154-121001353; plus strand). Cytogenetic location: 11q23.3.
Variant type: single nucleotide variant.
Coding change: c.2825G>A on transcript NM_005422.4 (MANE Select); coding-DNA position 2825, G replaced by A.
Protein change: p.Arg942His; replaces arginine 942 with histidine.
Molecular consequence: missense variant.
Genome position (GRCh38, 1-based): chr11:121,130,095, G>A. VCF-style: chr11-121130095-G-A. GRCh37 (hg19) VCF-style: chr11-121000804-G-A.
Other names: c.2825G>A (NM_005422.2); c.3782G>A, p.Arg1261His (NM_001378761.1); short protein forms R942H, R1261H.
Identifiers: ClinVar variation 1446402 (VCV001446402.15), dbSNP rs774867371, ClinGen allele CA6327077.

ClinVar aggregate classification (germline): Conflicting classifications of pathogenicity. Review status: criteria provided, conflicting classifications (1 of 4 stars). 6 submissions from 6 submitters: Uncertain significance (5); Likely benign (1). Last evaluated 2026-08-10.

Conditions:
TECTA-related disorder. Also called: TECTA-related condition.
Inborn genetic diseases. Identifiers: MedGen C0950123, MeSH D030342.

Allele frequency attached by ClinVar (database versions not stated): gnomAD 0.00009.
gnomAD v4.1: 83 of 1,613,544 alleles (0.0051%); highest among the groups gnomAD compares: Admixed American, 0.057%; no homozygotes.

Submissions (6):

PreventionGenetics, part of Exact Sciences
Classification: Uncertain significance for TECTA-related condition. Last evaluated: 2026-08-10. Review status: criteria provided, single submitter. Criteria: ACMG Guidelines, 2015. Collection method: clinical testing. Allele origin: germline.
Comment: The TECTA c.2825G>A variant is predicted to result in the amino acid substitution p.Arg942His. To our knowledge, this variant has not been reported in the literature. This variant is reported in 0.051% of alleles in individuals of Latino descent in gnomAD. Although we suspect that this variant may be benign, at this time, the clinical significance of this variant is uncertain due to the absence of conclusive functional and genetic evidence.

CeGaT Center for Human Genetics Tuebingen
Classification: Uncertain significance. Last evaluated: 2026-03-01. Review status: criteria provided, single submitter. Criteria: CeGaT Center For Human Genetics Tuebingen Variant Classification Criteria Version 2. Collection method: clinical testing. Allele origin: germline. Affected: yes. Observed: 1 variant allele.
Comment: TECTA: PM2

GeneDx
Classification: Uncertain significance. Last evaluated: 2025-12-03. Review status: criteria provided, single submitter. Criteria: GeneDx Variant Classification Process June 2021. Collection method: clinical testing. Allele origin: germline.
Comment: Identified in patients with bilateral hearing loss of variable severity in published literature (PMID: 39905815); In silico analysis indicates that this missense variant does not alter protein structure/function; This variant is associated with the following publications: (PMID: 21520338, 31554319, 9590290, 39905815)

Ambry Genetics
Classification: Uncertain significance for Inborn genetic diseases. Last evaluated: 2025-06-18. Review status: criteria provided, single submitter. Criteria: Ambry Variant Classification Scheme 2023. Collection method: clinical testing. Allele origin: germline.

Labcorp Genetics (formerly Invitae), Labcorp
Classification: Likely benign. Last evaluated: 2023-07-07. Review status: criteria provided, single submitter. Criteria: Invitae Variant Classification Sherloc (09022015). Collection method: clinical testing. Allele origin: germline.

Blueprint Genetics
Classification: Uncertain significance. Last evaluated: 2022-11-28. Review status: criteria provided, single submitter. Criteria: ACMG Guidelines, 2015. Collection method: clinical testing. Allele origin: germline.